The following is an entry in ClinVar:

NM_015378.4(VPS13D):c.1329G>C (p.Trp443Cys)

Gene: VPS13D (vacuolar protein sorting 13 homolog D; plus strand). Cytogenetic location: 1p36.22.
Variant type: single nucleotide variant.
Coding change: c.1329G>C on transcript NM_015378.4 (MANE Select); coding-DNA position 1329, G replaced by C.
Protein change: p.Trp443Cys; replaces tryptophan 443 with cysteine.
Molecular consequence: missense variant.
Genome position (GRCh38, 1-based): chr1:12,261,064, G>C. VCF-style: chr1-12261064-G-C. GRCh37 (hg19) VCF-style: chr1-12321121-G-C.
Other names: c.1329G>C, p.Trp443Cys (NM_018156.4); short protein forms W443C.
Identifiers: ClinVar variation 2803655 (VCV002803655.3), dbSNP rs928936472, ClinGen allele CA18028972.

ClinVar aggregate classification (germline): Uncertain significance (1 of 4 stars; one submission).

Submission:

Labcorp Genetics (formerly Invitae), Labcorp
Classification: Uncertain significance. Last evaluated: 2023-06-21. Review status: criteria provided, single submitter. Criteria: Invitae Variant Classification Sherloc (09022015). Collection method: clinical testing. Allele origin: germline.
Comment: This sequence change replaces tryptophan, which is neutral and slightly polar, with cysteine, which is neutral and slightly polar, at codon 443 of the VPS13D protein (p.Trp443Cys). This variant is not present in population databases (gnomAD no frequency). This variant has not been reported in the literature in individuals affected with VPS13D-related conditions. Advanced modeling of protein sequence and biophysical properties (such as structural, functional, and spatial information, amino acid conservation, physicochemical variation, residue mobility, and thermodynamic stability) performed at Invitae indicates that this missense variant is expected to disrupt VPS13D protein function. In summary, the available evidence is currently insufficient to determine the role of this variant in disease. Therefore, it has been classified as a Variant of Uncertain Significance.